The following is an entry in ClinVar:

NM_000372.5(TYR):c.573del (p.Ser192fs)

Gene: TYR (tyrosinase; plus strand). Cytogenetic location: 11q14.3.
Variant type: Deletion.
Coding change: c.573del on transcript NM_000372.5 (MANE Select); coding-DNA position 573, one base deleted (A; older notation c.573delA).
Protein change: p.Ser192fs; shifts the reading frame from serine 192.
Molecular consequence: frameshift variant.
Genome position (GRCh38, 1-based): chr11:89,178,526, A deleted. VCF-style (leftmost placement, unchanged base first): chr11-89178525-GA-G. GRCh37 (hg19) VCF-style: chr11-88911693-GA-G.
Other names: short protein forms S192fs.
Identifiers: ClinVar variation 2632089 (VCV002632089.5), dbSNP rs1364823765, ClinGen allele CA601191360.

ClinVar aggregate classification (germline): Pathogenic. Review status: criteria provided, multiple submitters, no conflicts (2 of 4 stars). 3 submissions from 3 submitters: Pathogenic (3). Last evaluated 2024-08-05.

Conditions:
SKIN/HAIR/EYE PIGMENTATION 3, LIGHT/DARK SKIN (SHEP3). Also called: EYE COLOR 1; EYE COLOR, GREEN/BLUE; SKIN/HAIR/EYE PIGMENTATION, VARIATION IN, 3; SKIN/HAIR/EYE PIGMENTATION 3, BLUE/GREEN EYE COLOR; SKIN/HAIR/EYE PIGMENTATION 3, FRECKLING. Identifiers: MedGen C2677190, OMIM 601800.
TYR-related disorder. Also called: TYR-related condition.

Allele frequency attached by ClinVar (database versions not stated): gnomAD exomes below 0.00001; TOPMed below 0.00001; gnomAD 0.00001.

Submissions (3):

Labcorp Genetics (formerly Invitae), Labcorp
Classification: Pathogenic. Last evaluated: 2024-08-05. Review status: criteria provided, single submitter. Criteria: Invitae Variant Classification Sherloc (09022015). Collection method: clinical testing. Allele origin: germline.
Comment: This sequence change creates a premature translational stop signal (p.Ser192Leufs*34) in the TYR gene. It is expected to result in an absent or disrupted protein product. Loss-of-function variants in TYR are known to be pathogenic (PMID: 23504663). This variant is present in population databases (no rsID available, gnomAD 0.002%). This premature translational stop signal has been observed in individual(s) with oculocutaneous albinism (PMID: 13680365). ClinVar contains an entry for this variant (Variation ID: 2632089). For these reasons, this variant has been classified as Pathogenic.

Baylor Genetics
Classification: Pathogenic for SKIN/HAIR/EYE PIGMENTATION 3, LIGHT/DARK SKIN. Last evaluated: 2024-03-26. Review status: criteria provided, single submitter. Criteria: ACMG Guidelines, 2015. Collection method: clinical testing. Allele origin: unknown.

PreventionGenetics, part of Exact Sciences
Classification: Pathogenic for TYR-related condition. Last evaluated: 2023-10-02. Review status: criteria provided, single submitter. Criteria: ACMG Guidelines, 2015. Collection method: clinical testing. Allele origin: germline.
Comment: The TYR c.573delA variant is predicted to result in a frameshift and premature protein termination (p.Ser192Leufs*34). This variant was reported in the homozygous and compound heterozygous states in two individuals with oculocutaneous albinism (King et al. 2003. PubMed ID: 13680365). This variant is reported in 0.0023% of alleles in individuals of European (Non-Finnish) descent in gnomAD. Frameshift variants in TYR are expected to be pathogenic. This variant is interpreted as pathogenic.

Literature cited by the submitters: PubMed 23504663 (cited by Labcorp Genetics (formerly Invitae), Labcorp); PubMed 13680365 (cited by Labcorp Genetics (formerly Invitae), Labcorp).